The following is an entry in ClinVar:

GRCh37/hg19 22q11.21(chr22:18889693-21465485)x1

Genes: DGCR8 (DGCR8 microprocessor complex subunit; plus strand), ESS2 (ess-2 splicing factor homolog; minus strand), FAM230A (family with sequence similarity 230 member A; plus strand), MED15 (mediator complex subunit 15; plus strand), ZDHHC8 (zDHHC palmitoyltransferase 8; plus strand) and 42 more. Cytogenetic location: 22q11.21.
Variant type: copy number loss.
Change: copy number 1 (one copy instead of two) of chr22:18,889,693-21,465,485 (2.58 Mb, GRCh37 coordinates, 1-based), cytogenetic band 22q11.21.
Identifiers: ClinVar variation 1180538 (VCV001180538.4).

ClinVar aggregate classification (germline): Pathogenic (1 of 4 stars; one submission).

Submission:

Illumina Laboratory Services, Illumina
Classification: Pathogenic. Last evaluated: 2020-02-07. Review status: criteria provided, single submitter. Criteria: ICSL CNVClassificationCriteria Jul2020Prior. Collection method: clinical testing. Allele origin: unknown.
Comment: This CNV is a 2.6 Mb deletion of 22q11.21 on chromosome 22, (seq[GRCh37]del(22)(q11.21); chr22:g.18889693_21465485del) which was found in a de novo state. This CNV constitutes a loss encompassing 81 genes and closely overlaps the 3-Mb proximal recurrent region (low copy repeats LCR22A-LCR22D) associated with 22q11.2 deletion syndrome (Burnside et al. 2015; McDonald-McGinn et al. 2015). Presence of low complexity regions at this locus result in a high rate of meiotic error and nonallelic homologous recombination. A majority of deletions described in affected individuals are de novo in nature and the typical 3-Mb A-D deletion is found in approximately 85% of cases. While the remaining cases have smaller deletions, they present with a similar phenotype observed in individuals with the 3-Mb deletion. Similar losses have not been reported in controls (Cooper et al. 2011; MacDonald et al. 2014). Based on the collective evidence, this CNV is classified as pathogenic.

Literature cited by the submitters: PubMed 21841781; PubMed 24174537; PubMed 26278718; PubMed 27189754.